The following is an entry in ClinVar:

NM_001040429.3(PCDH17):c.943G>C (p.Gly315Arg)

Gene: PCDH17 (protocadherin 17; plus strand). Cytogenetic location: 13q21.1.
Variant type: single nucleotide variant.
Coding change: c.943G>C on transcript NM_001040429.3 (MANE Select); coding-DNA position 943, G replaced by C.
Protein change: p.Gly315Arg; replaces glycine 315 with arginine.
Molecular consequence: missense variant.
Genome position (GRCh38, 1-based): chr13:57,633,489, G>C. VCF-style: chr13-57633489-G-C. GRCh37 (hg19) VCF-style: chr13-58207623-G-C.
Other names: short protein forms G315R.
Identifiers: ClinVar variation 3234797 (VCV003234797.20), dbSNP rs2501132183, ClinGen allele CA388081262.
Genomic context (GRCh38, chr13:57,633,489, plus strand): 5'-TCCATCGACCCCAAGACCGGCCTAATCCGTGTGAAGGGCAATCTGGACTATGAGGAAAAC[G>C]GGATGCTGGAGATTGACGTGCAGGCCCGAGACCTGGGGCCTAACCCTATCCCAGCCCACT-3'
Protein context (NP_001035519.1, residues 305-325): VKGNLDYEEN[Gly315Arg]MLEIDVQARD

ClinVar aggregate classification (germline): Uncertain significance (1 of 4 stars; one submission).

Submission:

CeGaT Center for Human Genetics Tuebingen
Classification: Uncertain significance. Last evaluated: 2024-04-01. Review status: criteria provided, single submitter. Criteria: CeGaT Center For Human Genetics Tuebingen Variant Classification Criteria Version 2. Collection method: clinical testing. Allele origin: germline. Affected: yes. Observed: 1 variant allele.
Comment: PCDH17: PM2